The following is an entry in ClinVar:

NM_032242.4(PLXNA1):c.4519T>G (p.Cys1507Gly)

Gene: PLXNA1 (plexin A1; plus strand). Cytogenetic location: 3q21.3.
Variant type: single nucleotide variant.
Coding change: c.4519T>G on transcript NM_032242.4 (MANE Select); coding-DNA position 4519, T replaced by G.
Protein change: p.Cys1507Gly; replaces cysteine 1507 with glycine.
Molecular consequence: missense variant.
Genome position (GRCh38, 1-based): chr3:127,028,190, T>G. VCF-style: chr3-127028190-T-G. GRCh37 (hg19) VCF-style: chr3-126747033-T-G.
Other names: short protein forms C1507G.
Identifiers: ClinVar variation 3346266 (VCV003346266.1).

ClinVar aggregate classification (germline): Uncertain significance (0 of 4 stars; one submission).

Conditions:
PLXNA1-related disorder. Also called: PLXNA1-related condition.

Submission:

PreventionGenetics, part of Exact Sciences
Classification: Uncertain significance for PLXNA1-related condition. Last evaluated: 2024-08-09. Review status: no assertion criteria provided. Collection method: clinical testing. Allele origin: germline.
Comment: The PLXNA1 c.4519T>G variant is predicted to result in the amino acid substitution p.Cys1507Gly. To our knowledge, this variant has not been reported in the literature or in a large population database, indicating this variant is rare. At this time, the clinical significance of this variant is uncertain due to the absence of conclusive functional and genetic evidence.